The following is an entry in ClinVar:

ClinVar aggregate classification (germline): Uncertain significance (1 of 4 stars; one submission).

Conditions:
Hypertrophic cardiomyopathy. Also called: HYPERTROPHIC MYOCARDIOPATHY. Identifiers: Orphanet 217569, MedGen C0007194, MeSH D002312, MONDO:0005045, HP:0001639.

Allele frequency attached by ClinVar (database versions not stated): gnomAD 0.00001; gnomAD exomes below 0.00001; TOPMed 0.00001.

Submission:

Labcorp Genetics (formerly Invitae), Labcorp
Classification: Uncertain significance for Hypertrophic cardiomyopathy. Last evaluated: 2020-08-21. Review status: criteria provided, single submitter. Criteria: Invitae Variant Classification Sherloc (09022015). Collection method: clinical testing. Allele origin: germline.
Comment: In summary, the available evidence is currently insufficient to determine the role of this variant in disease. Therefore, it has been classified as a Variant of Uncertain Significance. An algorithm developed specifically for the MYH7 gene suggests that this missense change is likely to be deleterious (PMID: 21310275). However, this prediction has not been confirmed by published functional studies and its clinical significance is uncertain. This variant has been reported in an individual affected with hypertrophic cardiomyopathy (PMID: 27532257). This variant is not present in population databases (ExAC no frequency). This sequence change replaces aspartic acid with histidine at codon 1378 of the MYH7 protein (p.Asp1378His). The aspartic acid residue is highly conserved and there is a moderate physicochemical difference between aspartic acid and histidine.

Literature cited by the submitters: PubMed 21310275; PubMed 27532257.

NM_000257.4(MYH7):c.4132G>C (p.Asp1378His)

Gene: MYH7 (myosin heavy chain 7; minus strand). Cytogenetic location: 14q11.2.
Variant type: single nucleotide variant.
Coding change: c.4132G>C on transcript NM_000257.4 (MANE Select); coding-DNA position 4132, G replaced by C.
Protein change: p.Asp1378His; replaces aspartic acid 1378 with histidine.
Molecular consequence: missense variant.
Genome position (GRCh38, 1-based): chr14:23,418,247, C>G on the plus strand (G>C on the coding strand, the complement: MYH7 is on the minus strand). VCF-style: chr14-23418247-C-G. GRCh37 (hg19) VCF-style: chr14-23887456-C-G.
Other names: short protein forms D1378H.
Identifiers: ClinVar variation 524944 (VCV000524944.8), dbSNP rs1158392172, ClinGen allele CA389040830.